The following is an entry in ClinVar:

ClinVar aggregate classification (germline): Uncertain significance (1 of 4 stars; one submission).

Submission:

GeneDx
Classification: Uncertain significance. Last evaluated: 2022-09-16. Review status: criteria provided, single submitter. Criteria: GeneDx Variant Classification Process June 2021. Collection method: clinical testing. Allele origin: germline. Affected: yes.
Comment: Not observed at significant frequency in large population cohorts (gnomAD); In silico analysis supports that this missense variant has a deleterious effect on protein structure/function; Has not been previously published as pathogenic or benign to our knowledge

NM_001080517.3(SETD5):c.1871C>T (p.Thr624Ile)

Gene: SETD5 (SET domain containing 5; plus strand). Cytogenetic location: 3p25.3.
Variant type: single nucleotide variant.
Coding change: c.1871C>T on transcript NM_001080517.3 (MANE Select); coding-DNA position 1871, C replaced by T.
Protein change: p.Thr624Ile; replaces threonine 624 with isoleucine.
Molecular consequence: missense variant.
Genome position (GRCh38, 1-based): chr3:9,447,774, C>T. VCF-style: chr3-9447774-C-T. GRCh37 (hg19) VCF-style: chr3-9489458-C-T.
Other names: c.1577C>T, p.Thr526Ile (NM_001292043.2, NM_001349451.2); short protein forms T526I, T624I.
Identifiers: ClinVar variation 2444782 (VCV002444782.1), dbSNP rs2472967311, ClinGen allele CA351697262.
Genomic context (GRCh38, chr3:9,447,774, plus strand): 5'-AGCCACCTCCAGCAAAGCCTTCTAGGCCCCGGCCGAAGAGTCGAATTTCTCGGTACAGGA[C>T]CAGTTCAGCCCAAAGACTAAAGCGTCAGAAGCAGGCCAATGCACAGCAGGCAGAATTGTC-3'
Protein context (NP_001073986.1, residues 614-634): RPKSRISRYR[Thr624Ile]SSAQRLKRQK